The following is an entry in ClinVar:

NM_139076.3(ABRAXAS1):c.965A>G (p.Asn322Ser)

Gene: ABRAXAS1 (abraxas 1, BRCA1 A complex subunit; minus strand). Cytogenetic location: 4q21.23.
Variant type: single nucleotide variant.
Coding change: c.965A>G on transcript NM_139076.3 (MANE Select); coding-DNA position 965, A replaced by G.
Protein change: p.Asn322Ser; replaces asparagine 322 with serine.
Molecular consequence: missense variant.
Genome position (GRCh38, 1-based): chr4:83,462,734, T>C on the plus strand (A>G on the coding strand, the complement: ABRAXAS1 is on the minus strand). VCF-style: chr4-83462734-T-C. GRCh37 (hg19) VCF-style: chr4-84383887-T-C.
Other names: c.638A>G, p.Asn213Ser (NM_001345962.2); short protein forms N213S, N322S.
Identifiers: ClinVar variation 1799685 (VCV001799685.8), dbSNP rs771082457, ClinGen allele CA2990398.

ClinVar aggregate classification (germline): Uncertain significance. Review status: criteria provided, multiple submitters, no conflicts (2 of 4 stars). 2 submissions from 2 submitters: Uncertain significance (2). Last evaluated 2025-11-10.

Allele frequency attached by ClinVar (database versions not stated): gnomAD exomes 0.00001; TOPMed 0.00002; gnomAD 0.00001; ExAC 0.00002.
gnomAD v4.1: 19 of 1,613,752 alleles (0.0012%); highest among the groups gnomAD compares: Non-Finnish European, 0.0015%; no homozygotes.

Submissions (2):

Ambry Genetics
Classification: Uncertain significance. Last evaluated: 2025-11-10. Review status: criteria provided, single submitter. Criteria: Ambry Variant Classification Scheme 2023. Collection method: clinical testing. Allele origin: germline.
Comment: The p.N322S variant (also known as c.965A>G), located in coding exon 9 of the FAM175A gene, results from an A to G substitution at nucleotide position 965. The asparagine at codon 322 is replaced by serine, an amino acid with highly similar properties. This amino acid position is conserved. In addition, this alteration is predicted to be tolerated by in silico analysis. Since supporting evidence is limited at this time, the clinical significance of this alteration remains unclear.

Labcorp Genetics (formerly Invitae), Labcorp
Classification: Uncertain significance. Last evaluated: 2023-08-20. Review status: criteria provided, single submitter. Criteria: Invitae Variant Classification Sherloc (09022015). Collection method: clinical testing. Allele origin: germline.
Comment: In summary, the available evidence is currently insufficient to determine the role of this variant in disease. Therefore, it has been classified as a Variant of Uncertain Significance. Advanced modeling of protein sequence and biophysical properties (such as structural, functional, and spatial information, amino acid conservation, physicochemical variation, residue mobility, and thermodynamic stability) performed at Invitae indicates that this missense variant is not expected to disrupt ABRAXAS1 protein function. ClinVar contains an entry for this variant (Variation ID: 1799685). This variant has not been reported in the literature in individuals affected with ABRAXAS1-related conditions. This variant is present in population databases (rs771082457, gnomAD 0.005%). This sequence change replaces asparagine, which is neutral and polar, with serine, which is neutral and polar, at codon 322 of the ABRAXAS1 protein (p.Asn322Ser).